The following is an entry in ClinVar:

NM_001349.4(DARS1):c.1480C>G (p.Arg494Gly)

Gene: DARS1 (aspartyl-tRNA synthetase 1; minus strand). Cytogenetic location: 2q21.3.
Variant type: single nucleotide variant.
Coding change: c.1480C>G on transcript NM_001349.4 (MANE Select); coding-DNA position 1480, C replaced by G.
Protein change: p.Arg494Gly; replaces arginine 494 with glycine.
Molecular consequence: missense variant.
Genome position (GRCh38, 1-based): chr2:135,907,342, G>C on the plus strand (C>G on the coding strand, the complement: DARS1 is on the minus strand). VCF-style: chr2-135907342-G-C. GRCh37 (hg19) VCF-style: chr2-136664912-G-C.
Other names: DARS1, ARG494GLY (rs147077598); c.1180C>G, p.Arg394Gly (NM_001293312.1); c.1480C>G (NM_001349.3); short protein forms R494G, R394G.
Identifiers: ClinVar variation 50991 (VCV000050991.3), dbSNP rs147077598, ClinGen allele CA143920.
Genomic context (GRCh38, chr2:135,907,342, plus strand): 5'-CATCCACACTGGAGTTAAGTGGCAAAGTGTGAATTTAAGGAGTGAGTCGTTTGGGATCAC[G>C]AGGGAACATGGAGGTCTGACGAACATTATGCAATCCCAGAAACAGCATAGTAACTCGTTC-3'
Protein context (NP_001340.2, residues 484-501): HNVRQTSMFP[Arg494Gly]DPKRLTP

ClinVar aggregate classification (germline): Likely pathogenic. Review status: criteria provided, single submitter (1 of 4 stars). 2 submissions from 2 submitters: Likely pathogenic (1). 1 of the submissions does not count toward it. Last evaluated 2024-10-08.

Conditions:
Hypomyelination with brain stem and spinal cord involvement and leg spasticity. Also called: ASPARTYL-tRNA SYNTHETASE DEFICIENCY; Hypomyelination with brainstem and spinal cord involvement and leg spasticity. Identifiers: Orphanet 363412, MedGen C4755254, MONDO:0014115, OMIM 615281.

Allele frequency attached by ClinVar (database versions not stated): gnomAD 0.00002; gnomAD exomes 0.00004; ExAC 0.00006; ESP Exome Variant Server 0.00008.
gnomAD v4.1: 91 of 1,587,118 alleles (0.0057%); highest among the groups gnomAD compares: Non-Finnish European, 0.0076%; no homozygotes.

Submissions (2):

Victorian Clinical Genetics Services, Murdoch Childrens Research Institute
Classification: Likely pathogenic for Hypomyelination with brain stem and spinal cord involvement and leg spasticity. Last evaluated: 2024-10-08. Review status: criteria provided, single submitter. Criteria: ACMG Guidelines, 2015. Collection method: clinical testing. Allele origin: germline. Inheritance: Autosomal recessive inheritance. Affected: yes.
Comment: Based on the classification scheme VCGS_Germline_v1.3.4, this variant is classified as Likely pathogenic. Following criteria are met: 0105 - The mechanism of disease for this gene is not clearly established; however, loss of function is likely (PMID: 27816769). (I) 0106 - This gene is associated with autosomal recessive disease. (I) 0115 - Variants in this gene are known to have variable expressivity. Intrafamilial variability has been described regarding symptom severity and MRI findings in a family with three affected siblings (Ong et al. 2020). (I) 0200 - Variant is predicted to result in a missense amino acid change from arginine to glycine. (I) 0251 - This variant is heterozygous. (I) 0304 - Variant is present in gnomAD <0.01 for a recessive condition [v2 and v3(non-v2)]: 14 heterozygotes, 0 homozygotes). (SP) 0501 - Missense variant consistently predicted to be damaging by multiple in silico tools or highly conserved with a major amino acid change. (SP) 0600 - Variant is located in the annotated tRNA synthetases class II domain (DECIPHER). (I) 0704 - Other missense variants comparable to the one identified in this case have limited previous evidence for pathogenicity. Two alternative changes, p.(Arg494Cys) and p.(Arg494His), have been reported as VUS and likely pathogenic in ClinVar, respectively. Additionally, p.(Arg494Cys) has also been reported in two compound heterozygous siblings with hypomyelination with brain stem and spinal cord involvement and leg spasticity (PMID: 23643384). (SP) 0803 - This variant has limited previous evidence of pathogenicity in unrelated individuals. This variant has been reported in a compound heterozygous state with other missense variants in two families with DARS-related features (PMID: 23643384, Ong et al. 2020). (SP) 0901 - This variant has strong evidence for segregation with disease. This variant has been identified in a compound heterozygous state in two unrelated families with multiple affected siblings (PMID: 23643384, Ong et al. 2020). (SP) 1007 - No published functional evidence has been identified for this variant. (I) Legend: (SP) - Supporting pathogenic, (I) - Information, (SB) - Supporting benign

OMIM
Classification: Pathogenic for HYPOMYELINATION WITH BRAINSTEM AND SPINAL CORD INVOLVEMENT AND LEG SPASTICITY. Last evaluated: 2013-05-02. Review status: no assertion criteria provided. Collection method: literature only. Allele origin: germline. Not counted in ClinVar's aggregate classification.

Literature cited by the submitters: PubMed 23643384 (cited by Victorian Clinical Genetics Services, Murdoch Childrens Research Institute and OMIM); PubMed 27816769 (cited by Victorian Clinical Genetics Services, Murdoch Childrens Research Institute).